The following is an entry in ClinVar:

ClinVar aggregate classification (germline): Likely benign. Review status: criteria provided, multiple submitters, no conflicts (2 of 4 stars). 4 submissions from 4 submitters: Likely benign (4). Last evaluated 2025-11-17.

Conditions:
Inborn genetic diseases. Identifiers: MedGen C0950123, MeSH D030342.
MECOM-related disorder. Also called: MECOM-related condition.

Allele frequency attached by ClinVar (database versions not stated): TOPMed below 0.00001; gnomAD exomes 0.00003; gnomAD 0.00005; ExAC 0.00007; 1000 Genomes Project 0.00040; 1000 Genomes Project 30x 0.00047.
gnomAD v4.1: 51 of 1,613,938 alleles (0.0032%); highest among the groups gnomAD compares: East Asian, 0.047%; no homozygotes.

Submissions (4):

PreventionGenetics, part of Exact Sciences
Classification: Likely benign for MECOM-related condition. Last evaluated: 2025-11-17. Review status: criteria provided, single submitter. Criteria: ACMG Guidelines, 2015. Collection method: clinical testing. Allele origin: germline.
Comment: This variant is classified as likely benign based on ACMG/AMP sequence variant interpretation guidelines (Richards et al. 2015 PMID: 25741868, with internal and published modifications).

Labcorp Genetics (formerly Invitae), Labcorp
Classification: Likely benign. Last evaluated: 2025-11-03. Review status: criteria provided, single submitter. Criteria: Invitae Variant Classification Sherloc (09022015). Collection method: clinical testing. Allele origin: germline.

Ambry Genetics
Classification: Likely benign for Inborn genetic diseases. Last evaluated: 2024-10-17. Review status: criteria provided, single submitter. Criteria: Ambry Variant Classification Scheme 2023. Collection method: clinical testing. Allele origin: germline.

Blueprint Genetics
Classification: Likely benign. Last evaluated: 2023-02-20. Review status: criteria provided, single submitter. Criteria: ACMG Guidelines, 2015. Collection method: clinical testing. Allele origin: germline.

NM_004991.4(MECOM):c.633C>T (p.Cys211=)

Gene: MECOM (MDS1 and EVI1 complex locus; minus strand). Cytogenetic location: 3q26.2.
Variant type: single nucleotide variant.
Coding change: c.633C>T on transcript NM_004991.4 (MANE Select); coding-DNA position 633, C replaced by T.
Protein change: p.Cys211=; no amino-acid change (cysteine 211 retained).
Molecular consequence: synonymous variant.
Genome position (GRCh38, 1-based): chr3:169,128,041, G>A on the plus strand (C>T on the coding strand, the complement: MECOM is on the minus strand). VCF-style: chr3-169128041-G-A. GRCh37 (hg19) VCF-style: chr3-168845829-G-A.
Other names: c.633C>T (NM_004991.3); c.261C>T, p.Cys87= (NM_001105077.4); c.69C>T, p.Cys23= (NM_001105078.4, NM_001163999.2, NM_001164000.2 and 9 more transcripts); c.633C>T, p.Cys211= (NM_001366466.2, NM_001366473.2); c.69C>T (NM_001105078.3).
Identifiers: ClinVar variation 2139817 (VCV002139817.7), dbSNP rs188482846, ClinGen allele CA2696496.